The following is an entry in ClinVar:

NM_022124.6(CDH23):c.4260C>T (p.Phe1420=)

Gene: CDH23 (cadherin related 23; plus strand). Cytogenetic location: 10q22.1.
Variant type: single nucleotide variant.
Coding change: c.4260C>T on transcript NM_022124.6 (MANE Select); coding-DNA position 4260, C replaced by T.
Protein change: p.Phe1420=; no amino-acid change (phenylalanine 1420 retained).
Molecular consequence: synonymous variant.
Genome position (GRCh38, 1-based): chr10:71,738,548, C>T. VCF-style: chr10-71738548-C-T. GRCh37 (hg19) VCF-style: chr10-73498305-C-T.
Other names: c.4260C>T (NM_022124.5).
Identifiers: ClinVar variation 1155348 (VCV001155348.11), dbSNP rs1839633496, ClinGen allele CA470068721.
Genomic context (GRCh38, chr10:71,738,548, plus strand): 5'-TCACCCTCAGGTCTACATCACTGTGCTGGACGAGAATGACAACAGCCCCCGGTTTGACTT[C>T]ACCTCCGACTCGGCGGTCAGCATACCCGAGGACTGCCCTGTGGGCCAGCGAGTGGCTACT-3'
Protein context (NP_071407.4, residues 1410-1430): DENDNSPRFD[Phe1420=]TSDSAVSIPE

ClinVar aggregate classification (germline): Likely benign. Review status: criteria provided, single submitter (1 of 4 stars). 2 submissions from 2 submitters: Likely benign (1). 1 of the submissions does not count toward it. Last evaluated 2025-08-17.

Conditions:
CDH23-related disorder. Also called: CDH23-related disorders; CDH23-related condition.

Allele frequency attached by ClinVar (database versions not stated): gnomAD exomes below 0.00001; gnomAD 0.00001; TOPMed 0.00002.
gnomAD v4.1: 2 of 1,613,892 alleles (0.00012%); highest among the groups gnomAD compares: Admixed American, 0.0033%; no homozygotes.

Submissions (2):

Labcorp Genetics (formerly Invitae), Labcorp
Classification: Likely benign. Last evaluated: 2025-08-17. Review status: criteria provided, single submitter. Criteria: Invitae Variant Classification Sherloc (09022015). Collection method: clinical testing. Allele origin: germline.

PreventionGenetics, part of Exact Sciences
Classification: Likely benign for CDH23-related condition. Last evaluated: 2020-05-29. Review status: no assertion criteria provided. Collection method: clinical testing. Allele origin: germline. Not counted in ClinVar's aggregate classification.
Comment: This variant is classified as likely benign based on ACMG/AMP sequence variant interpretation guidelines (Richards et al. 2015 PMID: 25741868, with internal and published modifications).